The following is an entry in ClinVar:

ClinVar aggregate classification (germline): Conflicting classifications of pathogenicity. Review status: criteria provided, conflicting classifications (1 of 4 stars). 4 submissions from 4 submitters: Uncertain significance (3); Likely benign (1). Last evaluated 2024-03-14.

Conditions:
Hereditary cancer-predisposing syndrome. Also called: Tumor predisposition; Hereditary Cancer Syndrome; Hereditary neoplastic syndrome; Neoplastic Syndromes, Hereditary. Identifiers: Orphanet 140162, MedGen C0027672, MeSH D009386, MONDO:0015356.
Hereditary breast ovarian cancer syndrome. Also called: Breast and ovarian cancer; Hereditary breast and ovarian cancer; Hereditary breast and/or ovarian cancer syndrome; BRCA1- and BRCA2-Associated Hereditary Breast and Ovarian Cancer; Hereditary breast and ovarian cancer syndrome (HBOC); Hereditary breast and ovarian cancer syndrome. Identifiers: Orphanet 145, MedGen C0677776, MeSH D061325, MONDO:0003582. Disease mechanism: loss of function.

gnomAD v4.1: 1 of 1,613,910 alleles (0.000062%); highest among the groups gnomAD compares: Non-Finnish European, 0.000085%; no homozygotes.

Submissions (4):

Labcorp Genetics (formerly Invitae), Labcorp
Classification: Uncertain significance for Hereditary breast ovarian cancer syndrome. Last evaluated: 2024-03-14. Review status: criteria provided, single submitter. Criteria: Invitae Variant Classification Sherloc (09022015). Collection method: clinical testing. Allele origin: germline.
Comment: This sequence change replaces glutamic acid, which is acidic and polar, with aspartic acid, which is acidic and polar, at codon 1806 of the BRCA2 protein (p.Glu1806Asp). This variant is not present in population databases (gnomAD no frequency). This variant has not been reported in the literature in individuals affected with BRCA2-related conditions. ClinVar contains an entry for this variant (Variation ID: 182218). Advanced modeling of protein sequence and biophysical properties (such as structural, functional, and spatial information, amino acid conservation, physicochemical variation, residue mobility, and thermodynamic stability) performed at Invitae indicates that this missense variant is not expected to disrupt BRCA2 protein function with a negative predictive value of 95%. In summary, the available evidence is currently insufficient to determine the role of this variant in disease. Therefore, it has been classified as a Variant of Uncertain Significance.

GeneDx
Classification: Uncertain significance. Last evaluated: 2023-12-11. Review status: criteria provided, single submitter. Criteria: GeneDx Variant Classification Process June 2021. Collection method: clinical testing. Allele origin: germline. Affected: yes.
Comment: Not observed at significant frequency in large population cohorts (gnomAD); In silico analysis supports that this missense variant does not alter protein structure/function; Observed in individual(s) with breast cancer (PMID: 16234499); Also known as 5646A>C; This variant is associated with the following publications: (PMID: 16234499, 29884841, 32377563)

University of Washington Department of Laboratory Medicine, University of Washington
Classification: Likely benign for Hereditary cancer-predisposing syndrome. Last evaluated: 2023-03-23. Review status: criteria provided, single submitter. Criteria: Dines et al. (Genet Med. 2020). Collection method: curation. Allele origin: germline.
Comment: Missense variant in a coldspot region where missense variants are very unlikely to be pathogenic (PMID:31911673).

BRCA2 exon 11 coldspot. Reclassification based on statistical prior probability.

Ambry Genetics
Classification: Uncertain significance for Hereditary cancer-predisposing syndrome. Last evaluated: 2020-02-14. Review status: criteria provided, single submitter. Criteria: Ambry Variant Classification Scheme 2023. Collection method: clinical testing. Allele origin: germline.
Comment: The p.E1806D variant (also known as c.5418A>C), located in coding exon 10 of the BRCA2 gene, results from an A to C substitution at nucleotide position 5418. The glutamic acid at codon 1806 is replaced by aspartic acid, an amino acid with highly similar properties. This amino acid position is not well conserved in available vertebrate species. In addition, this alteration is predicted to be tolerated by in silico analysis. Since supporting evidence is limited at this time, the clinical significance of this alteration remains unclear.

Literature cited by the submitters: PubMed 16234499 (cited by Ambry Genetics).

NM_000059.4(BRCA2):c.5418A>C (p.Glu1806Asp)

Gene: BRCA2 (BRCA2 DNA repair associated; plus strand). Cytogenetic location: 13q13.1.
Variant type: single nucleotide variant.
Coding change: c.5418A>C on transcript NM_000059.4 (MANE Select); coding-DNA position 5418, A replaced by C.
Protein change: p.Glu1806Asp; replaces glutamic acid 1806 with aspartic acid.
Molecular consequence: missense variant.
Genome position (GRCh38, 1-based): chr13:32,339,773, A>C. VCF-style: chr13-32339773-A-C. GRCh37 (hg19) VCF-style: chr13-32913910-A-C.
Other names: p.E1806D:GAA>GAC; short protein forms E1806D.
Identifiers: ClinVar variation 182218 (VCV000182218.11), dbSNP rs34351119, ClinGen allele CA022284.